The following is an entry in ClinVar:

NM_001378120.1(MBD5):c.4739G>T (p.Gly1580Val)

Gene: MBD5 (methyl-CpG binding domain protein 5; plus strand). Cytogenetic location: 2q23.1.
Variant type: single nucleotide variant.
Coding change: c.4739G>T on transcript NM_001378120.1 (MANE Select); coding-DNA position 4739, G replaced by T.
Protein change: p.Gly1580Val; replaces glycine 1580 with valine.
Molecular consequence: missense variant.
Genome position (GRCh38, 1-based): chr2:148,490,371, G>T. VCF-style: chr2-148490371-G-T. GRCh37 (hg19) VCF-style: chr2-149247940-G-T.
Other names: c.4040G>T, p.Gly1347Val (NM_018328.5); short protein forms G1347V, G1580V.
Identifiers: ClinVar variation 3608527 (VCV003608527.2).

ClinVar aggregate classification (germline): Uncertain significance (1 of 4 stars; one submission).

Conditions:
Intellectual developmental disorder, autosomal dominant 1. Also called: MBD5 Haploinsufficiency; Intellectual disability, autosomal dominant 1. Identifiers: Orphanet 228402, MedGen C1969562, MONDO:0007974, OMIM 156200.

Submission:

Labcorp Genetics (formerly Invitae), Labcorp
Classification: Uncertain significance for Intellectual developmental disorder, autosomal dominant 1. Last evaluated: 2024-09-10. Review status: criteria provided, single submitter. Criteria: Invitae Variant Classification Sherloc (09022015). Collection method: clinical testing. Allele origin: germline.
Comment: This sequence change replaces glycine, which is neutral and non-polar, with valine, which is neutral and non-polar, at codon 1347 of the MBD5 protein (p.Gly1347Val). This variant is not present in population databases (gnomAD no frequency). This variant has not been reported in the literature in individuals affected with MBD5-related conditions. Experimental studies and prediction algorithms are not available or were not evaluated, and the functional significance of this variant is currently unknown. In summary, the available evidence is currently insufficient to determine the role of this variant in disease. Therefore, it has been classified as a Variant of Uncertain Significance.